The following is an entry in ClinVar:

ClinVar aggregate classification (germline): Uncertain significance (1 of 4 stars; one submission).

Submission:

Ambry Genetics
Classification: Uncertain significance. Last evaluated: 2026-08-17. Review status: criteria provided, single submitter. Criteria: Ambry Variant Classification Scheme 2023. Collection method: clinical testing. Allele origin: germline.
Comment: The c.40G>A (p.G14R) alteration is located in exon 1 (coding exon 1) of the HIST1H4E gene. This alteration results from a G to A substitution at nucleotide position 40, causing the glycine (G) at amino acid position 14 to be replaced by an arginine (R). Based on data from gnomAD, the A allele has an overall frequency of <0.001% (1/251266) total alleles studied. The highest observed frequency was 0.001% (1/113632) of European (non-Finnish) alleles. Based on insufficient or conflicting evidence, the clinical significance of this alteration remains unclear.

NM_003545.4(H4C5):c.40G>A (p.Gly14Arg)

Genes: H4C5 (H4 clustered histone 5; plus strand), LOC129996027 (ATAC-STARR-seq lymphoblastoid active region 24208; plus strand). Cytogenetic location: 6p22.2.
Variant type: single nucleotide variant.
Coding change: c.40G>A on transcript NM_003545.4 (MANE Select); coding-DNA position 40, G replaced by A.
Protein change: p.Gly14Arg; replaces glycine 14 with arginine.
Molecular consequence: missense variant.
Genome position (GRCh38, 1-based): chr6:26,204,684, G>A. VCF-style: chr6-26204684-G-A. GRCh37 (hg19) VCF-style: chr6-26204912-G-A.
Other names: short protein forms G14R.
Identifiers: ClinVar variation 5022564 (VCV005022564.1).